The following is an entry in ClinVar:

ClinVar aggregate classification (germline): Uncertain significance (1 of 4 stars; one submission).

Allele frequency attached by ClinVar (database versions not stated): gnomAD exomes below 0.00001; gnomAD 0.00001.
gnomAD v4.1: 2 of 1,613,948 alleles (0.00012%); highest among the groups gnomAD compares: Non-Finnish European, 0.00017%; no homozygotes.

Submission:

Labcorp Genetics (formerly Invitae), Labcorp
Classification: Uncertain significance. Last evaluated: 2023-12-19. Review status: criteria provided, single submitter. Criteria: Invitae Variant Classification Sherloc (09022015). Collection method: clinical testing. Allele origin: germline.
Comment: This sequence change replaces tyrosine, which is neutral and polar, with cysteine, which is neutral and slightly polar, at codon 353 of the ADIPOR1 protein (p.Tyr353Cys). This variant is present in population databases (no rsID available, gnomAD 0.006%). This variant has not been reported in the literature in individuals affected with ADIPOR1-related conditions. An algorithm developed to predict the effect of missense changes on protein structure and function (PolyPhen-2) suggests that this variant is likely to be disruptive. In summary, the available evidence is currently insufficient to determine the role of this variant in disease. Therefore, it has been classified as a Variant of Uncertain Significance.

NM_015999.6(ADIPOR1):c.1058A>G (p.Tyr353Cys)

Gene: ADIPOR1 (adiponectin receptor 1; minus strand). Cytogenetic location: 1q32.1.
Variant type: single nucleotide variant.
Coding change: c.1058A>G on transcript NM_015999.6 (MANE Select); coding-DNA position 1058, A replaced by G.
Protein change: p.Tyr353Cys; replaces tyrosine 353 with cysteine.
Molecular consequence: missense variant.
Genome position (GRCh38, 1-based): chr1:202,941,643, T>C on the plus strand (A>G on the coding strand, the complement: ADIPOR1 is on the minus strand). VCF-style: chr1-202941643-T-C. GRCh37 (hg19) VCF-style: chr1-202910771-T-C.
Other names: c.1058A>G, p.Tyr353Cys (NM_001127687.1, NM_001290553.2, NM_001290557.1 and 1 more transcripts); short protein forms Y353C.
Identifiers: ClinVar variation 2717199 (VCV002717199.3), dbSNP rs1454766490, ClinGen allele CA344277731.